The following is an entry in ClinVar:

ClinVar aggregate classification (germline): Conflicting classifications of pathogenicity. Review status: criteria provided, conflicting classifications (1 of 4 stars). 2 submissions from 2 submitters: Uncertain significance (1); Likely benign (1). Last evaluated 2025-09-30.

Conditions:
CYP3A4-related disorder. Also called: CYP3A4-related condition.
Vitamin D-dependent rickets, type 3. Identifiers: MedGen C5436733, MONDO:0033640, OMIM 619073.

gnomAD v4.1: 1,015 of 1,613,998 alleles (0.063%); highest among the groups gnomAD compares: East Asian, 1.7%; 18 homozygotes.

Submissions (2):

PreventionGenetics, part of Exact Sciences
Classification: Likely benign for CYP3A4-related condition. Last evaluated: 2025-09-30. Review status: criteria provided, single submitter. Criteria: ACMG Guidelines, 2015. Collection method: clinical testing. Allele origin: germline.
Comment: This variant is classified as likely benign based on ACMG/AMP sequence variant interpretation guidelines (Richards et al. 2015 PMID: 25741868, with internal and published modifications).

Fulgent Genetics
Classification: Uncertain significance for Vitamin D-dependent rickets, type 3. Last evaluated: 2024-06-11. Review status: criteria provided, single submitter. Criteria: ACMG Guidelines, 2015. Collection method: clinical testing. Allele origin: germline.

NM_017460.6(CYP3A4):c.878T>C (p.Leu293Pro)

Genes: CYP3A4 (cytochrome P450 family 3 subfamily A member 4; minus strand), CYP3A4-AS1 (CYP3A4 antisense RNA 1; plus strand). Cytogenetic location: 7q22.1.
Variant type: single nucleotide variant.
Coding change: c.878T>C on transcript NM_017460.6 (MANE Select); coding-DNA position 878, T replaced by C.
Protein change: p.Leu293Pro; replaces leucine 293 with proline.
Molecular consequence: missense variant.
Genome position (GRCh38, 1-based): chr7:99,764,003, A>G on the plus strand (T>C on the coding strand, the complement: CYP3A4 is on the minus strand). VCF-style: chr7-99764003-A-G. GRCh37 (hg19) VCF-style: chr7-99361626-A-G.
Other names: c.875T>C, p.Leu292Pro (NM_001202855.3); c.878T>C (NM_017460.5); short protein forms L293P, L292P.
Identifiers: ClinVar variation 3594977 (VCV003594977.2).
Genomic context (GRCh38, chr7:99,764,003, plus strand): 5'-ACACTGCTCGTGGTTTCATAGCCAGCAAAAATAAAGATAATTGATTGGGCCACGAGCTCC[A>G]GATCGGACAGAGCTGAAAGGAGAGGAAAGACATTTTAGGTAAATCAGATCAATGTAGGGC-3'
Protein context (NP_059488.2, residues 283-303): ETESHKALSD[Leu293Pro]ELVAQSIIFI